The following is an entry in ClinVar:

ClinVar aggregate classification (germline): Uncertain significance. Review status: criteria provided, multiple submitters, no conflicts (2 of 4 stars). 2 submissions from 2 submitters: Uncertain significance (2). Last evaluated 2026-02-26.

Conditions:
Inborn genetic diseases. Identifiers: MedGen C0950123, MeSH D030342.

gnomAD v4.1: 6 of 1,610,870 alleles (0.00037%); highest among the groups gnomAD compares: Admixed American, 0.01%; no homozygotes.

Submissions (2):

GeneDx
Classification: Uncertain significance. Last evaluated: 2026-02-26. Review status: criteria provided, single submitter. Criteria: GeneDx Variant Classification Process June 2021. Collection method: clinical testing. Allele origin: germline.
Comment: In silico analysis suggests that this missense variant does not alter protein structure/function; Has not been previously published as pathogenic or benign to our knowledge

Ambry Genetics
Classification: Uncertain significance for Inborn genetic diseases. Last evaluated: 2024-04-20. Review status: criteria provided, single submitter. Criteria: Ambry Variant Classification Scheme 2023. Collection method: clinical testing. Allele origin: germline.

NM_006846.4(SPINK5):c.1238A>C (p.Glu413Ala)

Gene: SPINK5 (serine peptidase inhibitor Kazal type 5; plus strand). Cytogenetic location: 5q32.
Variant type: single nucleotide variant.
Coding change: c.1238A>C on transcript NM_006846.4 (MANE Select); coding-DNA position 1238, A replaced by C.
Protein change: p.Glu413Ala; replaces glutamic acid 413 with alanine.
Molecular consequence: missense variant.
Genome position (GRCh38, 1-based): chr5:148,101,372, A>C. VCF-style: chr5-148101372-A-C. GRCh37 (hg19) VCF-style: chr5-147480935-A-C.
Other names: c.1238A>C, p.Glu413Ala (NM_001127698.2, NM_001127699.2); short protein forms E413A.
Identifiers: ClinVar variation 3322246 (VCV003322246.2).